The following is an entry in ClinVar:

ClinVar aggregate classification (germline): Likely benign (1 of 4 stars; one submission).

Allele frequency attached by ClinVar (database versions not stated): 1000 Genomes Project 0.00060; 1000 Genomes Project 30x 0.00062; TOPMed 0.00243; gnomAD 0.00334.
gnomAD v4.1: 521 of 152,286 alleles (0.34%); highest among the groups gnomAD compares: Non-Finnish European, 0.55%; 3 homozygotes.

Submission:

GeneDx
Classification: Likely benign. Last evaluated: 2021-05-20. Review status: criteria provided, single submitter. Criteria: GeneDx Variant Classification Process June 2021. Collection method: clinical testing. Allele origin: germline. Affected: yes.
Comment: See Variant Classification Assertion Criteria.

NM_139281.3(WDR36):c.1797-168T>C

Gene: WDR36 (WD repeat domain 36; plus strand). Cytogenetic location: 5q22.1.
Variant type: single nucleotide variant.
Coding change: c.1797-168T>C on transcript NM_139281.3 (MANE Select); 168 bases into the intron before coding-DNA position 1797, T replaced by C.
Molecular consequence: intron variant.
Genome position (GRCh38, 1-based): chr5:111,118,845, T>C. VCF-style: chr5-111118845-T-C. GRCh37 (hg19) VCF-style: chr5-110454543-T-C.
Identifiers: ClinVar variation 1706908 (VCV001706908.2), dbSNP rs151201106, ClinGen allele CA124932214.